The following is an entry in ClinVar:

ClinVar aggregate classification (germline): Likely benign. Review status: criteria provided, multiple submitters, no conflicts (2 of 4 stars). 2 submissions from 2 submitters: Likely benign (2). Last evaluated 2026-03-09.

Conditions:
MASP1-related disorder. Also called: MASP1-related condition.

gnomAD v4.1: 157 of 1,613,726 alleles (0.0097%); highest among the groups gnomAD compares: Middle Eastern, 0.05%; 1 homozygote.

Submissions (2):

PreventionGenetics, part of Exact Sciences
Classification: Likely benign for MASP1-related condition. Last evaluated: 2026-03-09. Review status: criteria provided, single submitter. Criteria: ACMG Guidelines, 2015. Collection method: clinical testing. Allele origin: germline.
Comment: This variant is classified as likely benign based on ACMG/AMP sequence variant interpretation guidelines (Richards et al. 2015 PMID: 25741868, with internal and published modifications).

Blueprint Genetics
Classification: Likely benign. Last evaluated: 2024-09-11. Review status: criteria provided, single submitter. Criteria: ACMG Guidelines, 2015. Collection method: clinical testing. Allele origin: germline.

NM_001879.6(MASP1):c.1821G>A (p.Pro607=)

Gene: MASP1 (MBL associated serine protease 1; minus strand). Cytogenetic location: 3q27.3.
Variant type: single nucleotide variant.
Coding change: c.1821G>A on transcript NM_001879.6 (MANE Plus Clinical); coding-DNA position 1821, G replaced by A.
Protein change: p.Pro607=; no amino-acid change (proline 607 retained).
Molecular consequence: synonymous variant.
Genome position (GRCh38, 1-based): chr3:187,221,123, C>T on the plus strand (G>A on the coding strand, the complement: MASP1 is on the minus strand). VCF-style: chr3-187221123-C-T. GRCh37 (hg19) VCF-style: chr3-186938911-C-T.
Identifiers: ClinVar variation 4965378 (VCV004965378.2).